The following is an entry in ClinVar:

ClinVar aggregate classification (germline): Pathogenic (1 of 4 stars; one submission).

Submission:

Labcorp Genetics (formerly Invitae), Labcorp
Classification: Pathogenic. Last evaluated: 2020-02-24. Review status: criteria provided, single submitter. Criteria: Invitae Variant Classification Sherloc (09022015). Collection method: clinical testing. Allele origin: germline.
Comment: For these reasons, this variant has been classified as Pathogenic. Loss-of-function variants in PHEX are known to be pathogenic (PMID: 9097956, 9106524, 19219621). Algorithms developed to predict the effect of sequence changes on RNA splicing suggest that this variant may create or strengthen a splice site, but this prediction has not been confirmed by published transcriptional studies. This variant has not been reported in the literature in individuals with PHEX-related conditions. This variant is not present in population databases (ExAC no frequency). This sequence change creates a premature translational stop signal (p.Ser68Lysfs*4) in the PHEX gene. It is expected to result in an absent or disrupted protein product.

Literature cited by the submitters: PubMed 9097956; PubMed 9106524; PubMed 19219621.

NM_000444.6(PHEX):c.201_202dup (p.Ser68fs)

Gene: PHEX (phosphate regulating endopeptidase X-linked; plus strand). Cytogenetic location: Xp22.11.
Variant type: Duplication.
Coding change: c.201_202dup on transcript NM_000444.6 (MANE Select); coding-DNA positions 201 to 202, 2 bases duplicated (AA; older notation c.201_202dupAA).
Protein change: p.Ser68fs; shifts the reading frame from serine 68.
Molecular consequence: frameshift variant.
Genome position (GRCh38, 1-based): chrX:22,047,063-22,047,064, AA duplicated. VCF-style (leftmost placement, unchanged base first): chrX-22047062-T-TAA. GRCh37 (hg19) VCF-style: chrX-22065180-T-TAA.
Other names: c.201_202dup, p.Ser68fs (NM_001282754.2); short protein forms S68fs.
Identifiers: ClinVar variation 965515 (VCV000965515.7), dbSNP rs1927568383, ClinGen allele CA1139667277.
Genomic context (GRCh38, chrX:22,047,062, plus strand): 5'-ACAACATTCAGTGCTTGTCATTAATCCTATGATTTTCTTTCTAAATAGCTGCTGCCATCT[T>TAA]AAGTAAAGTAAATCTGTCTGTGGATCCTTGTGATAATTTCTTCCGGTTCGCTTGTGATGG-3'